The following is an entry in ClinVar:

ClinVar aggregate classification (germline): Uncertain significance (0 of 4 stars; one submission).

Conditions:
BRWD3-related disorder. Also called: BRWD3-related condition.

Allele frequency attached by ClinVar (database versions not stated): gnomAD exomes 0.00001; TOPMed 0.00002.
gnomAD v4.1: 4 of 1,209,696 alleles (0.00033%); highest among the groups gnomAD compares: Non-Finnish European, 0.00045%; no homozygotes.

Submission:

PreventionGenetics, part of Exact Sciences
Classification: Uncertain significance for BRWD3-related condition. Last evaluated: 2024-02-02. Review status: no assertion criteria provided. Collection method: clinical testing. Allele origin: germline.
Comment: The BRWD3 c.2296A>G variant is predicted to result in the amino acid substitution p.Lys766Glu. To our knowledge, this variant has not been reported in the literature or in a large population database, indicating this variant is rare. At this time, the clinical significance of this variant is uncertain due to the absence of conclusive functional and genetic evidence.

NM_153252.5(BRWD3):c.2296A>G (p.Lys766Glu)

Gene: BRWD3 (bromodomain and WD repeat domain containing 3; minus strand). Cytogenetic location: Xq21.1.
Variant type: single nucleotide variant.
Coding change: c.2296A>G on transcript NM_153252.5 (MANE Select); coding-DNA position 2296, A replaced by G.
Protein change: p.Lys766Glu; replaces lysine 766 with glutamic acid.
Molecular consequence: missense variant.
Genome position (GRCh38, 1-based): chrX:80,716,186, T>C on the plus strand (A>G on the coding strand, the complement: BRWD3 is on the minus strand). VCF-style: chrX-80716186-T-C. GRCh37 (hg19) VCF-style: chrX-79971685-T-C.
Other names: short protein forms K766E.
Identifiers: ClinVar variation 3054200 (VCV003054200.2), dbSNP rs2073072261, ClinGen allele CA413632143.